The following is an entry in ClinVar:

NM_005857.5(ZMPSTE24):c.1094T>G (p.Val365Gly)

Gene: ZMPSTE24 (zinc metallopeptidase STE24; plus strand). Cytogenetic location: 1p34.2.
Variant type: single nucleotide variant.
Coding change: c.1094T>G on transcript NM_005857.5 (MANE Select); coding-DNA position 1094, T replaced by G.
Protein change: p.Val365Gly; replaces valine 365 with glycine.
Molecular consequence: missense variant.
Genome position (GRCh38, 1-based): chr1:40,290,888, T>G. VCF-style: chr1-40290888-T-G. GRCh37 (hg19) VCF-style: chr1-40756560-T-G.
Other names: c.1094T>G (NM_005857.3); short protein forms V365G.
Identifiers: ClinVar variation 1364925 (VCV001364925.9), dbSNP rs372458731, ClinGen allele CA339871911.
Genomic context (GRCh38, chr1:40,290,888, plus strand): 5'-TAGAAATTTCATGTCCTTCTTTCTAGATGAATTCTTTCCTGTGTTTTTTTTTATTTGCTG[T>G]ATTAATTGGTCGAAAGGAGCTTTTTGCTGCATTTGGTTTTTATGATAGCCAACCCACTCT-3'
Protein context (NP_005848.2, residues 355-375): NSFLCFFLFA[Val365Gly]LIGRKELFAA

ClinVar aggregate classification (germline): Uncertain significance. Review status: criteria provided, multiple submitters, no conflicts (2 of 4 stars). 2 submissions from 2 submitters: Uncertain significance (2). Last evaluated 2025-01-18.

Conditions:
Inborn genetic diseases. Identifiers: MedGen C0950123, MeSH D030342.

Submissions (2):

Ambry Genetics
Classification: Uncertain significance for Inborn genetic diseases. Last evaluated: 2025-01-18. Review status: criteria provided, single submitter. Criteria: Ambry Variant Classification Scheme 2023. Collection method: clinical testing. Allele origin: germline.

Labcorp Genetics (formerly Invitae), Labcorp
Classification: Uncertain significance. Last evaluated: 2021-06-30. Review status: criteria provided, single submitter. Criteria: Invitae Variant Classification Sherloc (09022015). Collection method: clinical testing. Allele origin: germline.
Comment: This variant has not been reported in the literature in individuals affected with ZMPSTE24-related conditions. This variant is not present in population databases (ExAC no frequency). This sequence change replaces valine with glycine at codon 365 of the ZMPSTE24 protein (p.Val365Gly). There is a moderate physicochemical difference between valine and glycine. Algorithms developed to predict the effect of missense changes on protein structure and function are either unavailable or do not agree on the potential impact of this missense change (SIFT: "Not Available"; PolyPhen-2: "Benign"; Align-GVGD: "Not Available"). In summary, the available evidence is currently insufficient to determine the role of this variant in disease. Therefore, it has been classified as a Variant of Uncertain Significance.